The following is an entry in ClinVar:

ClinVar aggregate classification (germline): Pathogenic (1 of 4 stars; one submission).

gnomAD v4.1: 1 of 1,551,768 alleles (0.000064%); no homozygotes.

Submission:

CeGaT Center for Human Genetics Tuebingen
Classification: Pathogenic. Last evaluated: 2023-09-01. Review status: criteria provided, single submitter. Criteria: CeGaT Center For Human Genetics Tuebingen Variant Classification Criteria Version 2. Collection method: clinical testing. Allele origin: germline. Affected: yes. Observed: 1 variant allele.
Comment: LOXHD1: PVS1, PM2

NM_001384474.1(LOXHD1):c.1971-2A>G

Gene: LOXHD1 (lipoxygenase homology PLAT domains 1; minus strand). Cytogenetic location: 18q21.1.
Variant type: single nucleotide variant.
Coding change: c.1971-2A>G on transcript NM_001384474.1 (MANE Select); the canonical splice acceptor site of the intron before coding-DNA position 1971, A replaced by G.
Molecular consequence: splice acceptor variant.
Genome position (GRCh38, 1-based): chr18:46,572,164, T>C on the plus strand (A>G on the coding strand, the complement: LOXHD1 is on the minus strand). VCF-style: chr18-46572164-T-C. GRCh37 (hg19) VCF-style: chr18-44152127-T-C.
Other names: c.1971-2A>G (NM_144612.7).
Identifiers: ClinVar variation 2582964 (VCV002582964.25), dbSNP rs2511864902, ClinGen allele CA402376557.
Genomic context (GRCh38, chr18:46,572,164, plus strand): 5'-TGTCACTGGGTAGCAACTCTCGGACCAGCTGCCCATCATCCTTATCCTTGTCCAACCACC[T>C]GGTGGGCAAATGGGGGAATGTTAGCTCTTTGGGTGGAGCAGGCAGACAATCAAAGCTTCA-3'